The following is an entry in ClinVar:

NM_022489.4(INF2):c.3697G>A (p.Val1233Ile)

Gene: INF2 (inverted formin 2; plus strand). Cytogenetic location: 14q32.33.
Variant type: single nucleotide variant.
Coding change: c.3697G>A on transcript NM_022489.4 (MANE Select); coding-DNA position 3697, G replaced by A.
Protein change: p.Val1233Ile; replaces valine 1233 with isoleucine.
Molecular consequence: missense variant. On other transcripts: non-coding transcript variant (1), intron variant (3).
Genome position (GRCh38, 1-based): chr14:104,715,286, G>A. VCF-style: chr14-104715286-G-A. GRCh37 (hg19) VCF-style: chr14-105181623-G-A.
Other names: p.Val1233Ile; c.3697G>A, p.Val1233Ile (NM_001426863.1, NM_001426864.1); c.3694+430G>A (NM_001426865.1, NM_001426862.1, NM_001031714.4); short protein forms V1233I.
Identifiers: ClinVar variation 3380244 (VCV003380244.1).

ClinVar aggregate classification (germline): Uncertain significance (1 of 4 stars; one submission).

gnomAD v4.1: 1 of 1,613,626 alleles (0.000062%); highest among the groups gnomAD compares: Non-Finnish European, 0.000085%; no homozygotes.

Submission:

Mayo Clinic Laboratories, Mayo Clinic
Classification: Uncertain significance. Last evaluated: 2024-04-24. Review status: criteria provided, single submitter. Criteria: ACMG Guidelines, 2015. Collection method: clinical testing. Allele origin: germline. Observed: 1 variant allele.
Comment: BP4, PM2